The following is an entry in ClinVar:

NM_022114.4(PRDM16):c.2996G>A (p.Arg999Gln)

Gene: PRDM16 (PR/SET domain 16; plus strand). Cytogenetic location: 1p36.32.
Variant type: single nucleotide variant.
Coding change: c.2996G>A on transcript NM_022114.4 (MANE Select); coding-DNA position 2996, G replaced by A.
Protein change: p.Arg999Gln; replaces arginine 999 with glutamine.
Molecular consequence: missense variant.
Genome position (GRCh38, 1-based): chr1:3,425,637, G>A. VCF-style: chr1-3425637-G-A. GRCh37 (hg19) VCF-style: chr1-3342201-G-A.
Other names: c.2996G>A, p.Arg999Gln (NM_199454.3); short protein forms R999Q.
Identifiers: ClinVar variation 2100841 (VCV002100841.4), dbSNP rs1356208771, ClinGen allele CA338002220.
Genomic context (GRCh38, chr1:3,425,637, plus strand): 5'-CCAGGTGTAAGTACTGCGACCGCTCCTTCAGCATCTCTTCGAACCTCCAGCGGCACGTCC[G>A]GAACATCCACAACAAGGAGAAGCCTTTCAAGTGCCACCTGTGCAACCGCTGCTTCGGGCA-3'
Protein context (NP_071397.3, residues 989-1009): SISSNLQRHV[Arg999Gln]NIHNKEKPFK

ClinVar aggregate classification (germline): Uncertain significance (1 of 4 stars; one submission).

Conditions:
Left ventricular noncompaction 8 (LVNC8). Identifiers: Orphanet 154, Orphanet 54260, MedGen C3809288, MONDO:0014152, OMIM 615373.

Allele frequency attached by ClinVar (database versions not stated): gnomAD exomes below 0.00001.
gnomAD v4.1: 1 of 1,613,956 alleles (0.000062%); highest among the groups gnomAD compares: Non-Finnish European, 0.000085%; no homozygotes.

Submission:

Labcorp Genetics (formerly Invitae), Labcorp
Classification: Uncertain significance for Left ventricular noncompaction 8. Last evaluated: 2022-02-21. Review status: criteria provided, single submitter. Criteria: Invitae Variant Classification Sherloc (09022015). Collection method: clinical testing. Allele origin: germline.
Comment: In summary, the available evidence is currently insufficient to determine the role of this variant in disease. Therefore, it has been classified as a Variant of Uncertain Significance. Algorithms developed to predict the effect of missense changes on protein structure and function are either unavailable or do not agree on the potential impact of this missense change (SIFT: "Deleterious"; PolyPhen-2: "Possibly Damaging"; Align-GVGD: "Class C0"). This variant has not been reported in the literature in individuals affected with PRDM16-related conditions. This variant is present in population databases (no rsID available, gnomAD 0.003%). This sequence change replaces arginine, which is basic and polar, with glutamine, which is neutral and polar, at codon 999 of the PRDM16 protein (p.Arg999Gln).